The following is an entry in ClinVar:

ClinVar aggregate classification (germline): Uncertain significance (1 of 4 stars; one submission).

Conditions:
Gingival disorder. Also called: Gingival disease. Identifiers: MedGen C0017563, MONDO:0002021.

Allele frequency attached by ClinVar (database versions not stated): gnomAD 0.00001; TOPMed 0.00001; gnomAD exomes 0.00002.
gnomAD v4.1: 29 of 1,614,054 alleles (0.0018%); highest among the groups gnomAD compares: Non-Finnish European, 0.0024%; no homozygotes.

Submission:

Labcorp Genetics (formerly Invitae), Labcorp
Classification: Uncertain significance for Gingival disorder. Last evaluated: 2024-03-07. Review status: criteria provided, single submitter. Criteria: Invitae Variant Classification Sherloc (09022015). Collection method: clinical testing. Allele origin: germline.
Comment: This sequence change replaces histidine, which is basic and polar, with tyrosine, which is neutral and polar, at codon 90 of the FPR1 protein (p.His90Tyr). This variant is present in population databases (no rsID available, gnomAD 0.007%). This variant has not been reported in the literature in individuals affected with FPR1-related conditions. ClinVar contains an entry for this variant (Variation ID: 2153999). An algorithm developed to predict the effect of missense changes on protein structure and function (PolyPhen-2) suggests that this variant is likely to be tolerated. In summary, the available evidence is currently insufficient to determine the role of this variant in disease. Therefore, it has been classified as a Variant of Uncertain Significance.

NM_002029.4(FPR1):c.268C>T (p.His90Tyr)

Gene: FPR1 (formyl peptide receptor 1; minus strand). Cytogenetic location: 19q13.41.
Variant type: single nucleotide variant.
Coding change: c.268C>T on transcript NM_002029.4 (MANE Select); coding-DNA position 268, C replaced by T.
Protein change: p.His90Tyr; replaces histidine 90 with tyrosine.
Molecular consequence: missense variant.
Genome position (GRCh38, 1-based): chr19:51,746,727, G>A on the plus strand (C>T on the coding strand, the complement: FPR1 is on the minus strand). VCF-style: chr19-51746727-G-A. GRCh37 (hg19) VCF-style: chr19-52249980-G-A.
Other names: c.268C>T, p.His90Tyr (NM_001193306.2); short protein forms H90Y.
Identifiers: ClinVar variation 2153999 (VCV002153999.4), dbSNP rs1358544550, ClinGen allele CA407119781.